The following is an entry in ClinVar:

NC_000007.13:g.(?_107408191)_(107408373_?)del

Gene: SLC26A3 (solute carrier family 26 member 3; minus strand). Cytogenetic location: 7q31.1.
Variant type: Deletion.
Identifiers: ClinVar variation 3245841 (VCV003245841.1).

ClinVar aggregate classification (germline): Pathogenic (1 of 4 stars; one submission).

Submission:

Labcorp Genetics (formerly Invitae), Labcorp
Classification: Pathogenic. Last evaluated: 2023-06-15. Review status: criteria provided, single submitter. Criteria: Invitae Variant Classification Sherloc (09022015). Collection method: clinical testing. Allele origin: unknown.
Comment: For these reasons, this variant has been classified as Pathogenic. This variant has not been reported in the literature in individuals affected with SLC26A3-related conditions. This variant is a gross deletion of the genomic region encompassing exon(s) 19 of the SLC26A3 gene. This deletion is out-of-frame, and is expected to create a premature termination codon and result in an absent or disrupted protein product. Loss-of-function variants in SLC26A3 are known to be pathogenic (PMID: 9718329, 21394828).

Literature cited by the submitters: PubMed 9718329; PubMed 21394828.